The following is an entry in ClinVar:

ClinVar aggregate classification (germline): Pathogenic. Review status: criteria provided, multiple submitters, no conflicts (2 of 4 stars). 2 submissions from 2 submitters: Pathogenic (2). Last evaluated 2026-09-08.

Conditions:
Fabry disease. Also called: ALPHA-GALACTOSIDASE A DEFICIENCY; ANDERSON-FABRY DISEASE; Fabry's disease; Ceramide trihexosidosis; Angiokeratoma corporis diffusum; CERAMIDE TRIHEXOSIDASE DEFICIENCY. Identifiers: Orphanet 324, MedGen C0002986, MONDO:0010526, OMIM 301500, HP:0001071. Disease mechanism: loss of function, Fabry disease is due to inactivating mutations in the X-linked GLA gene resulting in deficiency of the enzyme Alpha Galactosidase-A..

Submissions (2):

Genomenon, Inc
Classification: Pathogenic for Fabry disease. Last evaluated: 2026-09-08. Review status: criteria provided, single submitter. Criteria: Genomenon Sequence Variant Interpretation Standards - Updated. Collection method: curation. Allele origin: germline. Affected: yes.
Comment: GLA c.370-2A>G is a canonical splice variant affecting the acceptor splice site of intron 2. It is predicted to affect mRNA splicing, leading to a deleterious effect on the GLA protein. This variant has been observed in at least one proband with clinical features consistent with Fabry disease (PMID:28728877;23702393;28049500;15702403;34785703;33844184;28682471;28663131). The variant was found to segregate with disease in at least one affected family (PMID:34785703;28049500). Functional or patient cell studies have been reported (PMID:28049500;28682471). It is absent or not present at a significant frequency in gnomAD. In conclusion, we classify GLA c.370-2A>G as a pathogenic variant.

GeneDx
Classification: Pathogenic. Last evaluated: 2014-01-25. Review status: criteria provided, single submitter. Criteria: GeneDx Variant Classification (06012015). Collection method: clinical testing. Allele origin: germline. Affected: yes.
Comment: The c.370-2 A>G mutation in the GLA gene has been reported previously in association with Fabry disease (Schafer E et al., 2005). The c.370-2 A>G mutation destroys the canonical splice-acceptor site of intron 2 and is predicted to cause abnormal gene splicing. The mutation is predicted to lead to either an abnormal message that is subject to nonsense-mediated mRNA decay, or to an abnormal protein product if the message is used for protein translation. Other splice site mutations in the GLA gene have been reported in association with Fabry disease. In summary, c.370-2 A>G in the GLA gene is interpreted as a disease-causing mutation. The variant is found in HCM panel(s).

Literature cited by the submitters: PubMed 28728877 (cited by Genomenon, Inc); PubMed 23702393 (cited by Genomenon, Inc); PubMed 28049500 (cited by Genomenon, Inc); PubMed 15702403 (cited by Genomenon, Inc); PubMed 34785703 (cited by Genomenon, Inc); PubMed 33844184 (cited by Genomenon, Inc); PubMed 28682471 (cited by Genomenon, Inc); PubMed 28663131 (cited by Genomenon, Inc).

NM_000169.3(GLA):c.370-2A>G

Genes: GLA (galactosidase alpha; minus strand), RPL36A-HNRNPH2 (RPL36A-HNRNPH2 readthrough; plus strand). Cytogenetic location: Xq22.1.
Variant type: single nucleotide variant.
Coding change: c.370-2A>G on transcript NM_000169.3 (MANE Select); the canonical splice acceptor site of the intron before coding-DNA position 370, A replaced by G.
Molecular consequence: splice acceptor variant. On other transcripts: intron variant (2).
Genome position (GRCh38, 1-based): chrX:101,401,811, T>C on the plus strand (A>G on the coding strand, the complement: GLA is on the minus strand). VCF-style: chrX-101401811-T-C. GRCh37 (hg19) VCF-style: chrX-100656799-T-C.
Other names: c.300+6354T>C (NM_001199973.2); c.177+9989T>C (NM_001199974.2); c.493-2A>G (NM_001406747.1, NM_001406749.1); c.370-2A>G (NM_001406748.1).
Identifiers: ClinVar variation 180835 (VCV000180835.6), dbSNP rs730880444, ClinGen allele CA021685.
Genomic context (GRCh38, chrX:101,401,811, plus strand): 5'-GCGCAGGTTTTATTTCCAACATCTGCATAAATCCCTAGCTTCAGTCCTTTGCTGTGAACC[T>C]GAAATGAGAGGGAGGAAAAGAGTCACCATTGTAGAAGCACAATCGTGAGGTAGCAGAAAG-3'